The following is an entry in ClinVar:

ClinVar aggregate classification (germline): Likely pathogenic (1 of 4 stars; one submission).

Conditions:
Leigh syndrome (NULS). Also called: LEIGH SYNDROME, NUCLEAR; Leigh Syndrome (mtDNA deletion); Leigh's necrotizing encephalopathy; Leigh's disease; Leigh's syndrome; Leigh Disease. Identifiers: Orphanet 506, MedGen C2931891, MONDO:0009723, OMIM 256000.

Submission:

Women's Health and Genetics/Laboratory Corporation of America, LabCorp
Classification: Likely pathogenic for Leigh syndrome. Last evaluated: 2023-04-25. Review status: criteria provided, single submitter. Criteria: LabCorp Variant Classification Summary - May 2015. Collection method: clinical testing. Allele origin: germline.
Comment: Variant summary: The variant identified by MLPA or other technology involves the deletion of exons 6-10 in the NDUFV1 gene, which includes the last exon. The exact breakpoint at the 3' end of this variant is unknown, and therefore this deletion might extend downstream of the assayed region of the gene. A presumed nomenclature of c.(700+1_701-1)_(*84_?)del has been designated for the purposes of this classification. Although exact breakpoints of this deletion are not known, it is expected to undergo nonsense mediated decay, a known mechanism of disease. The variant was absent in 21694 control chromosomes (gnomAD, structural variants dataset). To our knowledge, no occurrence of c.(700+1_701-1)_(*84_?)del in individuals affected with Leigh Syndrome and no experimental evidence demonstrating its impact on protein function have been reported. However, missense variants in the deleted region have been classified pathogenic in ClinVar, this suggests a functional importance for the deleted protein region. No clinical diagnostic laboratories have submitted clinical-significance assessments for this variant to ClinVar after 2014. Based on the evidence outlined above, the variant was classified as likely pathogenic.

NC_000011.9:g.(67378042_67378465)_(67380013_?)del

Gene: NDUFV1 (NADH:ubiquinone oxidoreductase core subunit V1; plus strand). Cytogenetic location: 11q13.2.
Variant type: Deletion.
Identifiers: ClinVar variation 2504037 (VCV002504037.1).